The following is an entry in ClinVar:

ClinVar aggregate classification (germline): Uncertain significance. Review status: criteria provided, multiple submitters, no conflicts (2 of 4 stars). 2 submissions from 2 submitters: Uncertain significance (2). Last evaluated 2024-08-27.

Allele frequency attached by ClinVar (database versions not stated): ExAC 0.00001; gnomAD exomes 0.00001.

Submissions (2):

Blueprint Genetics
Classification: Uncertain significance. Last evaluated: 2024-08-27. Review status: criteria provided, single submitter. Criteria: ACMG Guidelines, 2015. Collection method: clinical testing. Allele origin: germline.

Labcorp Genetics (formerly Invitae), Labcorp
Classification: Uncertain significance. Last evaluated: 2022-07-21. Review status: criteria provided, single submitter. Criteria: Invitae Variant Classification Sherloc (09022015). Collection method: clinical testing. Allele origin: germline.
Comment: This variant has not been reported in the literature in individuals affected with NDUFS1-related conditions. In summary, the available evidence is currently insufficient to determine the role of this variant in disease. Therefore, it has been classified as a Variant of Uncertain Significance. Algorithms developed to predict the effect of missense changes on protein structure and function are either unavailable or do not agree on the potential impact of this missense change (SIFT: "Deleterious"; PolyPhen-2: "Probably Damaging"; Align-GVGD: "Class C0"). This variant is present in population databases (rs17856901, gnomAD 0.003%). This sequence change replaces arginine, which is basic and polar, with glutamine, which is neutral and polar, at codon 241 of the NDUFS1 protein (p.Arg241Gln).

NM_005006.7(NDUFS1):c.722G>A (p.Arg241Gln)

Gene: NDUFS1 (NADH:ubiquinone oxidoreductase core subunit S1; minus strand). Cytogenetic location: 2q33.3.
Variant type: single nucleotide variant.
Coding change: c.722G>A on transcript NM_005006.7 (MANE Select); coding-DNA position 722, G replaced by A.
Protein change: p.Arg241Gln; replaces arginine 241 with glutamine.
Molecular consequence: missense variant.
Genome position (GRCh38, 1-based): chr2:206,146,918, C>T on the plus strand (G>A on the coding strand, the complement: NDUFS1 is on the minus strand). VCF-style: chr2-206146918-C-T. GRCh37 (hg19) VCF-style: chr2-207011642-C-T.
Other names: c.614G>A, p.Arg205Gln (NM_001199981.2); c.389G>A, p.Arg130Gln (NM_001199982.2); c.551G>A, p.Arg184Gln (NM_001199983.2); c.764G>A, p.Arg255Gln (NM_001199984.2); short protein forms R184Q, R255Q, R130Q, R205Q, R241Q.
Identifiers: ClinVar variation 2172076 (VCV002172076.3), dbSNP rs17856901, ClinGen allele CA2070688.